The following is an entry in ClinVar:

NM_000038.6(APC):c.5103A>C (p.Gln1701His)

Gene: APC (APC regulator of Wnt signaling pathway; plus strand). Cytogenetic location: 5q22.2.
Variant type: single nucleotide variant.
Coding change: c.5103A>C on transcript NM_000038.6 (MANE Select); coding-DNA position 5103, A replaced by C.
Protein change: p.Gln1701His; replaces glutamine 1701 with histidine.
Molecular consequence: missense variant.
Genome position (GRCh38, 1-based): chr5:112,840,697, A>C. VCF-style: chr5-112840697-A-C. GRCh37 (hg19) VCF-style: chr5-112176394-A-C.
Other names: c.5103A>C, p.Gln1701His (NM_001127510.3, NM_001354895.2); c.5049A>C, p.Gln1683His (NM_001127511.3); c.5157A>C, p.Gln1719His (NM_001354896.2); c.5133A>C, p.Gln1711His (NM_001354897.2); c.5028A>C, p.Gln1676His (NM_001354898.2); c.5019A>C, p.Gln1673His (NM_001354899.2); c.4980A>C, p.Gln1660His (NM_001354900.2); c.4926A>C, p.Gln1642His (NM_001354901.2); and 5 more; short protein forms Q1610H, Q1683H, Q1642H, Q1673H, Q1711H, Q1418H, Q1575H, Q1600H.
Identifiers: ClinVar variation 951569 (VCV000951569.11), dbSNP rs1765847340, ClinGen allele CA16032488.
Genomic context (GRCh38, chr5:112,840,697, plus strand): 5'-AGGTGAATTTGAAAAACGAGATACCATTCCTACAGAAGGCAGAAGTACAGATGAGGCTCA[A>C]GGAGGAAAAACCTCATCTGTAACCATACCTGAATTGGATGACAATAAAGCAGAGGAAGGT-3'
Protein context (NP_000029.2, residues 1691-1711): PTEGRSTDEA[Gln1701His]GGKTSSVTIP

ClinVar aggregate classification (germline): Uncertain significance (1 of 4 stars; one submission).

Conditions:
Familial adenomatous polyposis 1 (FAP1). Also called: POLYPOSIS, ADENOMATOUS INTESTINAL; FAMILIAL ADENOMATOUS POLYPOSIS 1, ATTENUATED. Identifiers: MedGen C2713442, MONDO:0021056, OMIM 175100. Disease mechanism: loss of function.

Submission:

Labcorp Genetics (formerly Invitae), Labcorp
Classification: Uncertain significance for Familial adenomatous polyposis 1. Last evaluated: 2019-04-28. Review status: criteria provided, single submitter. Criteria: Invitae Variant Classification Sherloc (09022015). Collection method: clinical testing. Allele origin: germline.
Comment: In summary, the available evidence is currently insufficient to determine the role of this variant in disease. Therefore, it has been classified as a Variant of Uncertain Significance. Algorithms developed to predict the effect of missense changes on protein structure and function output the following: SIFT: "Deleterious"; PolyPhen-2: "Benign"; Align-GVGD: "Class C0". The histidine amino acid residue is found in multiple mammalian species, suggesting that this missense change does not adversely affect protein function. These predictions have not been confirmed by published functional studies and their clinical significance is uncertain. This variant has not been reported in the literature in individuals with APC-related conditions. This variant is not present in population databases (ExAC no frequency). This sequence change replaces glutamine with histidine at codon 1701 of the APC protein (p.Gln1701His). The glutamine residue is highly conserved and there is a small physicochemical difference between glutamine and histidine.